The following is an entry in ClinVar:

NM_015627.3(LDLRAP1):c.558C>T (p.Ser186=)

Gene: LDLRAP1 (low density lipoprotein receptor adaptor protein 1; plus strand). Cytogenetic location: 1p36.11.
Variant type: single nucleotide variant.
Coding change: c.558C>T on transcript NM_015627.3 (MANE Select); coding-DNA position 558, C replaced by T.
Protein change: p.Ser186=; no amino-acid change (serine 186 retained).
Molecular consequence: synonymous variant.
Genome position (GRCh38, 1-based): chr1:25,563,095, C>T. VCF-style: chr1-25563095-C-T. GRCh37 (hg19) VCF-style: chr1-25889586-C-T.
Identifiers: ClinVar variation 3393018 (VCV003393018.1).

ClinVar aggregate classification (germline): Likely benign (1 of 4 stars; one submission).

Conditions:
Hypercholesterolemia, familial, 4 (FHCL4). Also called: HYPERCHOLESTEROLEMIA, AUTOSOMAL RECESSIVE, 1; HYPERCHOLESTEROLEMIA, AUTOSOMAL RECESSIVE, 2. Identifiers: Orphanet 391665, MedGen C1863512, MONDO:0011374, OMIM 603813.

Submission:

GENinCode PLC
Classification: Likely benign for Hypercholesterolemia, familial, 4. Last evaluated: 2024-06-19. Review status: criteria provided, single submitter. Criteria: ACMG Guidelines, 2015. Collection method: clinical testing. Allele origin: germline.
Comment: This is a synonymous (silent) variant that is not predicted by SpliceAI to impact splicing. In addition, it occurs at a nucleotide that is not conserved. Therefore this variant has been classified as Likely Benign (BP4, BP7).